The following is an entry in ClinVar:

ClinVar aggregate classification (germline): Benign/Likely benign. Review status: criteria provided, multiple submitters, no conflicts (2 of 4 stars). 17 submissions from 17 submitters: Benign (5); Likely benign (6). 6 of the submissions do not count toward it. Last evaluated 2026-09-01.

Conditions:
MYH6-related disorder. Also called: MYH6-Related Disorders; MYH6-related condition.
Cardiovascular phenotype. Identifiers: MedGen CN230736.
Cardiomyopathy (CMYO). Also called: Cardiomyopathies. Identifiers: Orphanet 167848, MedGen C0878544, MONDO:0004994, HP:0001638. Inheritance: Various modes of inheritance.
Hypertrophic cardiomyopathy 14. Identifiers: MedGen C2750467, MONDO:0013197, OMIM 613251.

Allele frequency attached by ClinVar (database versions not stated): 1000 Genomes Project 0.00020; ExAC 0.00231; TOPMed 0.00233; 1000 Genomes Project 30x 0.00016; gnomAD 0.00229 and 0.00232; ESP Exome Variant Server 0.00246; gnomAD exomes 0.00326 and 0.00252.
gnomAD v4.1: 5,103 of 1,614,136 alleles (0.32%); highest among the groups gnomAD compares: Non-Finnish European, 0.37%; 13 homozygotes.

Submissions (17):

CeGaT Center for Human Genetics Tuebingen
Classification: Benign. Last evaluated: 2026-09-01. Review status: criteria provided, single submitter. Criteria: CeGaT Center For Human Genetics Tuebingen Variant Classification Criteria Version 2. Collection method: clinical testing. Allele origin: germline. Affected: yes. Observed: 11 variant alleles.
Comment: MYH6: BP4, BP7, BS1, BS2

Labcorp Genetics (formerly Invitae), Labcorp
Classification: Benign for Hypertrophic cardiomyopathy 14. Last evaluated: 2026-01-26. Review status: criteria provided, single submitter. Criteria: Invitae Variant Classification Sherloc (09022015). Collection method: clinical testing. Allele origin: germline.

Blueprint Genetics
Classification: Likely benign. Last evaluated: 2024-11-27. Review status: criteria provided, single submitter. Criteria: ACMG Guidelines, 2015. Collection method: clinical testing. Allele origin: germline.

ARUP Laboratories, Molecular Genetics and Genomics, ARUP Laboratories
Classification: Likely benign. Last evaluated: 2023-08-21. Review status: criteria provided, single submitter. Criteria: ARUP Molecular Germline Variant Investigation Process 2024. Collection method: clinical testing. Allele origin: germline.

GeneDx
Classification: Likely benign. Last evaluated: 2020-08-10. Review status: criteria provided, single submitter. Criteria: GeneDx Variant Classification Process June 2021. Collection method: clinical testing. Allele origin: germline. Affected: yes.

Women's Health and Genetics/Laboratory Corporation of America, LabCorp
Classification: Benign. Last evaluated: 2019-09-20. Review status: criteria provided, single submitter. Criteria: LabCorp Variant Classification Summary - May 2015. Collection method: clinical testing. Allele origin: germline.

CHEO Genetics Diagnostic Laboratory, Children's Hospital of Eastern Ontario
Classification: Benign for Cardiomyopathy. Last evaluated: 2017-06-09. Review status: criteria provided, single submitter. Criteria: ACMG Guidelines, 2015. Collection method: clinical testing. Allele origin: germline. Study: Canadian Open Genetics Repository.

Eurofins Ntd Llc (ga)
Classification: Likely benign. Last evaluated: 2015-09-11. Review status: criteria provided, single submitter. Criteria: EGL Classification Definitions 2015. Collection method: clinical testing. Allele origin: germline. Observed: 1 variant allele, 1 heterozygote.

Ambry Genetics
Classification: Likely benign for Cardiovascular phenotype. Last evaluated: 2015-06-10. Review status: criteria provided, single submitter. Criteria: Ambry Variant Classification Scheme 2023. Collection method: clinical testing. Allele origin: germline.

Laboratory for Molecular Medicine, Mass General Brigham Personalized Medicine
Classification: Benign. Last evaluated: 2012-03-21. Review status: criteria provided, single submitter. Criteria: LMM Criteria. Collection method: clinical testing. Allele origin: germline. Observed: 13 variant alleles.
Comment: Ile245Ile in exon 13 of MYH6: This variant is not expected to have clinical sign ificance because it does not alter an amino acid residue, is not located within the splice consensus sequence, and it has been identified in 0.3% (24/7020) of E uropean American chromosomes from a broad population by the NHLBI Exome Sequenci ng Project (dbSNP rs61742470) Ile245Ile in exon 13 of MYH6 (allele frequency = 0.3%, 24/7020; rs61742470) **

Breakthrough Genomics
Classification: Likely benign. Review status: criteria provided, single submitter. Criteria: ACMG Guidelines, 2015. Collection method: not provided. Allele origin: germline. Inheritance: Autosomal dominant inheritance. Affected: yes.

PreventionGenetics, part of Exact Sciences
Classification: Likely benign for MYH6-related condition. Last evaluated: 2020-02-25. Review status: no assertion criteria provided. Collection method: clinical testing. Allele origin: germline. Not counted in ClinVar's aggregate classification.
Comment: This variant is classified as likely benign based on ACMG/AMP sequence variant interpretation guidelines (Richards et al. 2015 PMID: 25741868, with internal and published modifications).

Clinical Genetics DNA and cytogenetics Diagnostics Lab, Erasmus MC, Erasmus Medical Center
Classification: Likely benign. Review status: no assertion criteria provided. Collection method: clinical testing. Allele origin: germline. Affected: yes. Study: VKGL Data-share Consensus. Not counted in ClinVar's aggregate classification.

Clinical Genetics, Academic Medical Center
Classification: Benign. Review status: no assertion criteria provided. Collection method: clinical testing. Allele origin: germline. Affected: yes. Study: VKGL Data-share Consensus. Not counted in ClinVar's aggregate classification.

Diagnostic Laboratory, Department of Genetics, University Medical Center Groningen
Classification: Likely benign. Review status: no assertion criteria provided. Collection method: clinical testing. Allele origin: germline. Affected: yes. Study: VKGL Data-share Consensus. Not counted in ClinVar's aggregate classification.

Genome Diagnostics Laboratory, University Medical Center Utrecht
Classification: Likely benign. Review status: no assertion criteria provided. Collection method: clinical testing. Allele origin: germline. Affected: yes. Study: VKGL Data-share Consensus. Not counted in ClinVar's aggregate classification.

Joint Genome Diagnostic Labs from Nijmegen and Maastricht, Radboudumc and MUMC+
Classification: Benign. Review status: no assertion criteria provided. Collection method: clinical testing. Allele origin: germline. Affected: yes. Study: VKGL Data-share Consensus. Not counted in ClinVar's aggregate classification.

NM_002471.4(MYH6):c.1275C>T (p.Ile425=)

Gene: MYH6 (myosin heavy chain 6; minus strand). Cytogenetic location: 14q11.2.
Variant type: single nucleotide variant.
Coding change: c.1275C>T on transcript NM_002471.4 (MANE Select); coding-DNA position 1275, C replaced by T.
Protein change: p.Ile425=; no amino-acid change (isoleucine 425 retained).
Molecular consequence: synonymous variant.
Genome position (GRCh38, 1-based): chr14:23,400,844, G>A on the plus strand (C>T on the coding strand, the complement: MYH6 is on the minus strand). VCF-style: chr14-23400844-G-A. GRCh37 (hg19) VCF-style: chr14-23870053-G-A.
Identifiers: ClinVar variation 44450 (VCV000044450.61), dbSNP rs61742470, ClinGen allele CA134233.